The following is an entry in ClinVar:

ClinVar aggregate classification (germline): Benign. Review status: criteria provided, multiple submitters, no conflicts (2 of 4 stars). 3 submissions from 2 submitters: Benign (3). Last evaluated 2021-05-14.

Conditions:
Susceptibility to mononeuropathy of the median nerve, mild. Also called: CARPAL TUNNEL SYNDROME, SUSCEPTIBILITY TO. Identifiers: MedGen C3150596, MONDO:0013237, OMIM 613353.
Charcot-Marie-Tooth disease type 4C (CMT4C). Also called: CHARCOT-MARIE-TOOTH DISEASE, DEMYELINATING, AUTOSOMAL RECESSIVE, TYPE 4C; CMT 4C; Charcot-Marie-Tooth Neuropathy Type 4C (CMT4C); CHARCOT-MARIE-TOOTH DISEASE, DEMYELINATING, TYPE 4C; SH3TC2-Related Hereditary Motor and Sensory Neuropathy. Identifiers: Orphanet 99949, MedGen C1866636, MONDO:0011113, OMIM 601596.

Allele frequency attached by ClinVar (database versions not stated): gnomAD 0.52224 and 0.52698; 1000 Genomes Project 0.52915; TOPMed 0.53025; 1000 Genomes Project 30x 0.53623.
gnomAD v4.1: 79,380 of 152,120 alleles (52%); highest among the groups gnomAD compares: African/African-American, 72%; 22,013 homozygotes.

Submissions (3):

GeneDx
Classification: Benign. Last evaluated: 2021-05-14. Review status: criteria provided, single submitter. Criteria: GeneDx Variant Classification Process June 2021. Collection method: clinical testing. Allele origin: germline. Affected: yes.

Illumina Laboratory Services, Illumina
Classification: Benign for Susceptibility to mononeuropathy of the median nerve, mild. Last evaluated: 2018-01-12. Review status: criteria provided, single submitter. Criteria: ICSL Variant Classification Criteria 13 December 2019. Collection method: clinical testing. Allele origin: germline.
Comment: This variant was observed in the ICSL laboratory as part of a predisposition screen in an ostensibly healthy population. It had not been previously curated by ICSL or reported in the Human Gene Mutation Database (HGMD: prior to June 1st, 2018), and was therefore a candidate for classification through an automated scoring system. Utilizing variant allele frequency, disease prevalence and penetrance estimates, and inheritance mode, an automated score was calculated to assess if this variant is too frequent to cause the disease. Based on the score and internal cut-off values, a variant classified as benign is not then subjected to further curation. The score for this variant resulted in a classification of benign for this disease.

Illumina Laboratory Services, Illumina
Classification: Benign for Charcot-Marie-Tooth disease type 4C. Last evaluated: 2018-01-12. Review status: criteria provided, single submitter. Criteria: ICSL Variant Classification Criteria 13 December 2019. Collection method: clinical testing. Allele origin: germline.
Comment: the same text as in the submission from Illumina Laboratory Services, Illumina above.

NM_024577.4(SH3TC2):c.*5490G>A

Gene: SH3TC2 (SH3 domain and tetratricopeptide repeats 2; minus strand). Cytogenetic location: 5q32.
Variant type: single nucleotide variant.
Coding change: c.*5490G>A on transcript NM_024577.4 (MANE Select); 5490 bases downstream of the stop codon, G replaced by A.
Molecular consequence: 3 prime UTR variant.
Genome position (GRCh38, 1-based): chr5:148,999,221, C>T on the plus strand (G>A on the coding strand, the complement: SH3TC2 is on the minus strand). VCF-style: chr5-148999221-C-T. GRCh37 (hg19) VCF-style: chr5-148378784-C-T.
Identifiers: ClinVar variation 351808 (VCV000351808.8), dbSNP rs1432795, ClinGen allele CA10623457.